The following is an entry in ClinVar:

NM_000268.4(NF2):c.158C>A (p.Thr53Asn)

Gene: NF2 (NF2, moesin-ezrin-radixin like (MERLIN) tumor suppressor; plus strand). Cytogenetic location: 22q12.2.
Variant type: single nucleotide variant.
Coding change: c.158C>A on transcript NM_000268.4 (MANE Select); coding-DNA position 158, C replaced by A.
Protein change: p.Thr53Asn; replaces threonine 53 with asparagine.
Molecular consequence: missense variant. On other transcripts: 5 prime UTR variant (2), intron variant (6).
Genome position (GRCh38, 1-based): chr22:29,636,794, C>A. VCF-style: chr22-29636794-C-A. GRCh37 (hg19) VCF-style: chr22-30032783-C-A.
Other names: c.44C>A, p.Thr15Asn (NM_001407053.1, NM_001407056.1); c.158C>A, p.Thr53Asn (NM_001407054.1, NM_001407057.1, NM_001407058.1 and 9 more transcripts); c.-483C>A (NM_001407065.1); c.-99C>A (NM_001407067.1); c.115-2296C>A (NM_181828.3, NM_001407055.1); c.115-5408C>A (NM_001407063.1, NM_181830.3, NM_001407064.1 and 1 more transcripts); short protein forms T15N, T53N.
Identifiers: ClinVar variation 3676223 (VCV003676223.2).

ClinVar aggregate classification (germline): Uncertain significance (1 of 4 stars; one submission).

Conditions:
Neurofibromatosis, type 2 (SWNV). Also called: BILATERAL ACOUSTIC NEUROFIBROMATOSIS; SCHWANNOMATOSIS, VESTIBULAR; NF2-Related Schwannomatosis. Identifiers: Orphanet 637, MedGen C0027832, MONDO:0007039, OMIM 101000. Disease mechanism: loss of function.

Submission:

Labcorp Genetics (formerly Invitae), Labcorp
Classification: Uncertain significance for Neurofibromatosis, type 2. Last evaluated: 2024-03-19. Review status: criteria provided, single submitter. Criteria: Invitae Variant Classification Sherloc (09022015). Collection method: clinical testing. Allele origin: germline.
Comment: This sequence change replaces threonine, which is neutral and polar, with asparagine, which is neutral and polar, at codon 53 of the NF2 protein (p.Thr53Asn). This variant is not present in population databases (gnomAD no frequency). This variant has not been reported in the literature in individuals affected with NF2-related conditions. Advanced modeling of protein sequence and biophysical properties (such as structural, functional, and spatial information, amino acid conservation, physicochemical variation, residue mobility, and thermodynamic stability) has been performed at Invitae for this missense variant, however the output from this modeling did not meet the statistical confidence thresholds required to predict the impact of this variant on NF2 protein function. In summary, the available evidence is currently insufficient to determine the role of this variant in disease. Therefore, it has been classified as a Variant of Uncertain Significance.